The following is an entry in ClinVar:

NM_001297595.2(SIN3B):c.2102C>T (p.Pro701Leu)

Gene: SIN3B (SIN3 transcription regulator family member B; plus strand). Cytogenetic location: 19p13.11.
Variant type: single nucleotide variant.
Coding change: c.2102C>T on transcript NM_001297595.2 (MANE Select); coding-DNA position 2102, C replaced by T.
Protein change: p.Pro701Leu; replaces proline 701 with leucine.
Molecular consequence: missense variant.
Genome position (GRCh38, 1-based): chr19:16,869,755, C>T. VCF-style: chr19-16869755-C-T. GRCh37 (hg19) VCF-style: chr19-16980566-C-T.
Other names: c.872C>T, p.Pro291Leu (NM_001297597.2); c.2198C>T, p.Pro733Leu (NM_015260.4); short protein forms P291L, P701L, P733L.
Identifiers: ClinVar variation 3034407 (VCV003034407.2), dbSNP rs145531447, ClinGen allele CA9283369.

ClinVar aggregate classification (germline): Likely benign (0 of 4 stars; one submission).

Conditions:
SIN3B-related disorder. Also called: SIN3B-related condition.

Allele frequency attached by ClinVar (database versions not stated): gnomAD exomes 0.00017; ExAC 0.00048; 1000 Genomes Project 0.00140; 1000 Genomes Project 30x 0.00141; gnomAD 0.00151; ESP Exome Variant Server 0.00162; TOPMed 0.00186.
gnomAD v4.1: 482 of 1,613,318 alleles (0.03%); highest among the groups gnomAD compares: African/African-American, 0.48%; 4 homozygotes.

Submission:

PreventionGenetics, part of Exact Sciences
Classification: Likely benign for SIN3B-related condition. Last evaluated: 2019-06-17. Review status: no assertion criteria provided. Collection method: clinical testing. Allele origin: germline.
Comment: This variant is classified as likely benign based on ACMG/AMP sequence variant interpretation guidelines (Richards et al. 2015 PMID: 25741868, with internal and published modifications).